The following is an entry in ClinVar:

ClinVar aggregate classification (germline): Uncertain significance (1 of 4 stars; one submission).

Conditions:
Leber congenital amaurosis 6 (LCA6). Identifiers: Orphanet 65, MedGen C1854260, MONDO:0013446, OMIM 613826.
Cone-rod dystrophy 13 (CORD13). Identifiers: Orphanet 1872, MedGen C2750720, MONDO:0011987, OMIM 608194.

Submission:

Labcorp Genetics (formerly Invitae), Labcorp
Classification: Uncertain significance for Leber congenital amaurosis 6; Cone-rod dystrophy 13. Last evaluated: 2022-11-22. Review status: criteria provided, single submitter. Criteria: Invitae Variant Classification Sherloc (09022015). Collection method: clinical testing. Allele origin: germline.
Comment: In summary, the available evidence is currently insufficient to determine the role of this variant in disease. Therefore, it has been classified as a Variant of Uncertain Significance. Advanced modeling of protein sequence and biophysical properties (such as structural, functional, and spatial information, amino acid conservation, physicochemical variation, residue mobility, and thermodynamic stability) performed at Invitae indicates that this missense variant is not expected to disrupt RPGRIP1 protein function. ClinVar contains an entry for this variant (Variation ID: 1356764). This variant has not been reported in the literature in individuals affected with RPGRIP1-related conditions. This variant is not present in population databases (gnomAD no frequency). This sequence change replaces glutamic acid, which is acidic and polar, with lysine, which is basic and polar, at codon 788 of the RPGRIP1 protein (p.Glu788Lys).

NM_020366.4(RPGRIP1):c.2362G>A (p.Glu788Lys)

Gene: RPGRIP1 (RPGR interacting protein 1; plus strand). Cytogenetic location: 14q11.2.
Variant type: single nucleotide variant.
Coding change: c.2362G>A on transcript NM_020366.4 (MANE Select); coding-DNA position 2362, G replaced by A.
Protein change: p.Glu788Lys; replaces glutamic acid 788 with lysine.
Molecular consequence: missense variant. On other transcripts: intron variant (4).
Genome position (GRCh38, 1-based): chr14:21,325,378, G>A. VCF-style: chr14-21325378-G-A. GRCh37 (hg19) VCF-style: chr14-21793537-G-A.
Other names: c.1288G>A, p.Glu430Lys (NM_001377948.1); c.796+653G>A (NM_001377949.1); c.689-2245G>A (NM_001377523.1, NM_001377950.1); c.191-2245G>A (NM_001377951.1); short protein forms E430K, E788K.
Identifiers: ClinVar variation 1356764 (VCV001356764.8), dbSNP rs2139232422, ClinGen allele CA388868692.
Genomic context (GRCh38, chr14:21,325,378, plus strand): 5'-CGAAAGAAAGCCCAGGTCTACCTGTCAACCGATGTGCTTGGAGGCCGGAAGGCCCAGGAA[G>A]AGGAGGTGAGAAAAAAGATGTGCCGAGGCATCTCAGAGGAGCCTCAGCCAAACAGCTCAT-3'
Protein context (NP_065099.3, residues 778-798): DVLGGRKAQE[Glu788Lys]EFRSESWEPQ